The following is an entry in ClinVar:

NM_021830.5(TWNK):c.1502T>G (p.Met501Arg)

Gene: TWNK (twinkle mtDNA helicase; plus strand). Cytogenetic location: 10q24.31.
Variant type: single nucleotide variant.
Coding change: c.1502T>G on transcript NM_021830.5 (MANE Select); coding-DNA position 1502, T replaced by G.
Protein change: p.Met501Arg; replaces methionine 501 with arginine.
Molecular consequence: missense variant. On other transcripts: non-coding transcript variant (5).
Genome position (GRCh38, 1-based): chr10:100,990,453, T>G. VCF-style: chr10-100990453-T-G. GRCh37 (hg19) VCF-style: chr10-102750210-T-G.
Other names: c.1502T>G, p.Met501Arg (NM_001163812.2); c.140T>G, p.Met47Arg (NM_001163813.2, NM_001163814.2, NM_001368275.1); short protein forms M501R, M47R.
Identifiers: ClinVar variation 4701090 (VCV004701090.2).

ClinVar aggregate classification (germline): Uncertain significance. Review status: criteria provided, multiple submitters, no conflicts (2 of 4 stars). 2 submissions from 2 submitters: Uncertain significance (2). Last evaluated 2026-01-01.

gnomAD v4.1: 5 of 1,613,942 alleles (0.00031%); highest among the groups gnomAD compares: Non-Finnish European, 0.00025%; no homozygotes.

Submissions (2):

Labcorp Genetics (formerly Invitae), Labcorp
Classification: Uncertain significance. Last evaluated: 2026-01-01. Review status: criteria provided, single submitter. Criteria: Invitae Variant Classification Sherloc (09022015). Collection method: clinical testing. Allele origin: germline.
Comment: This sequence change replaces methionine, which is neutral and non-polar, with arginine, which is basic and polar, at codon 501 of the TWNK protein (p.Met501Arg). This variant is present in population databases (rs754173710, gnomAD 0.01%). This variant has not been reported in the literature in individuals affected with TWNK-related conditions. Invitae Evidence Modeling of protein sequence and biophysical properties (such as structural, functional, and spatial information, amino acid conservation, physicochemical variation, residue mobility, and thermodynamic stability) indicates that this missense variant is expected to disrupt TWNK protein function with a positive predictive value of 95%. In summary, the available evidence is currently insufficient to determine the role of this variant in disease. Therefore, it has been classified as a Variant of Uncertain Significance.

Blueprint Genetics
Classification: Uncertain significance. Last evaluated: 2021-09-28. Review status: criteria provided, single submitter. Criteria: ACMG Guidelines, 2015. Collection method: clinical testing. Allele origin: germline.